The following is an entry in ClinVar:

ClinVar aggregate classification (germline): Uncertain significance. Review status: criteria provided, multiple submitters, no conflicts (2 of 4 stars). 2 submissions from 2 submitters: Uncertain significance (2). Last evaluated 2024-12-31.

Conditions:
Pyridoxine-dependent epilepsy (EPEO4). Also called: Pyridoxine-Dependent Seizures; Pyridoxine-Dependent Epilepsy - ALDH7A1; PYRIDOXINE DEPENDENCY WITH SEIZURES; EPILEPSY, EARLY-ONSET, 4, VITAMIN B6-DEPENDENT. Identifiers: Orphanet 3006, MedGen C1849508, MONDO:0009945, OMIM 266100. Disease mechanism: loss of function.

Submissions (2):

3billion
Classification: Uncertain significance for Pyridoxine-dependent epilepsy. Last evaluated: 2024-12-31. Review status: criteria provided, single submitter. Criteria: ACMG Guidelines, 2015. Collection method: clinical testing. Allele origin: germline. Affected: yes.
Comment: The variant is not observed in the gnomAD v4.1.0 dataset. Predicted Consequence/Location: Missense variant In silico tool predictions suggest damaging effect of the variant on gene or gene product [REVEL: 0.86 (>=0.6, sensitivity 0.68 and specificity 0.92); 3Cnet: 0.94 (>=0.6, sensitivity 0.72 and precision 0.9)]. The variant has been reported as of uncertain significance (ClinVar ID: VCV001057039). Therefore, this variant is classified as VUS according to the recommendation of ACMG/AMP guideline.

Labcorp Genetics (formerly Invitae), Labcorp
Classification: Uncertain significance for Pyridoxine-dependent epilepsy. Last evaluated: 2023-06-06. Review status: criteria provided, single submitter. Criteria: Invitae Variant Classification Sherloc (09022015). Collection method: clinical testing. Allele origin: germline.
Comment: In summary, the available evidence is currently insufficient to determine the role of this variant in disease. Therefore, it has been classified as a Variant of Uncertain Significance. Advanced modeling of protein sequence and biophysical properties (such as structural, functional, and spatial information, amino acid conservation, physicochemical variation, residue mobility, and thermodynamic stability) performed at Invitae indicates that this missense variant is expected to disrupt ALDH7A1 protein function. ClinVar contains an entry for this variant (Variation ID: 1057039). This variant has not been reported in the literature in individuals affected with ALDH7A1-related conditions. This variant is not present in population databases (gnomAD no frequency). This sequence change replaces alanine, which is neutral and non-polar, with threonine, which is neutral and polar, at codon 302 of the ALDH7A1 protein (p.Ala302Thr).

NM_001182.5(ALDH7A1):c.904G>A (p.Ala302Thr)

Gene: ALDH7A1 (aldehyde dehydrogenase 7 family member A1; minus strand). Cytogenetic location: 5q23.2.
Variant type: single nucleotide variant.
Coding change: c.904G>A on transcript NM_001182.5 (MANE Select); coding-DNA position 904, G replaced by A.
Protein change: p.Ala302Thr; replaces alanine 302 with threonine.
Molecular consequence: missense variant.
Genome position (GRCh38, 1-based): chr5:126,561,092, C>T on the plus strand (G>A on the coding strand, the complement: ALDH7A1 is on the minus strand). VCF-style: chr5-126561092-C-T. GRCh37 (hg19) VCF-style: chr5-125896784-C-T.
Other names: c.820G>A, p.Ala274Thr (NM_001201377.2); c.904G>A, p.Ala302Thr (NM_001202404.2); short protein forms A274T, A302T.
Identifiers: ClinVar variation 1057039 (VCV001057039.10), dbSNP rs2112771286, ClinGen allele CA360726893.
Genomic context (GRCh38, chr5:126,561,092, plus strand): 5'-CGACTGTGGAAACTGAACAGAAAACAAACAAAAACAAAGAGGCAGCCTTACCAATAATGG[C>T]ATTGTTTCCTCCAAGTTCCAACAGACTTCTCCCTTAAAAGAAAAAAATTATATATAAAAA-3'
Protein context (NP_001173.2, residues 292-312): RSLLELGGNN[Ala302Thr]IIAFEDADLS